The following is an entry in ClinVar:

ClinVar aggregate classification (germline): Pathogenic (1 of 4 stars; one submission).

Conditions:
Marfan syndrome (MFS). Also called: MARFAN SYNDROME, TYPE I; FBN1-Related Marfan Syndrome; Marfan syndrome type 1; Marfan's syndrome; Marfan syndrome, classic. Identifiers: Orphanet 284963, Orphanet 558, MedGen C0024796, MONDO:0007947, OMIM 154700.

Submission:

Clinical Genetics Laboratory, Region Ostergotland
Classification: Pathogenic for Marfan syndrome. Last evaluated: 2023-09-21. Review status: criteria provided, single submitter. Criteria: ACMG Guidelines, 2015. Collection method: clinical testing. Allele origin: de novo. Affected: yes.
Comment: PM2, PM5, PP3_strong, PS2

NM_000138.5(FBN1):c.4955G>C (p.Cys1652Ser)

Gene: FBN1 (fibrillin 1; minus strand). Cytogenetic location: 15q21.1.
Variant type: single nucleotide variant.
Coding change: c.4955G>C on transcript NM_000138.5 (MANE Select); coding-DNA position 4955, G replaced by C.
Protein change: p.Cys1652Ser; replaces cysteine 1652 with serine.
Molecular consequence: missense variant.
Genome position (GRCh38, 1-based): chr15:48,464,009, C>G on the plus strand (G>C on the coding strand, the complement: FBN1 is on the minus strand). VCF-style: chr15-48464009-C-G. GRCh37 (hg19) VCF-style: chr15-48756206-C-G.
Other names: c.4955G>C, p.Cys1652Ser (NM_001406716.1); short protein forms C1652S.
Identifiers: ClinVar variation 2580942 (VCV002580942.3), dbSNP rs397515817, ClinGen allele CA392350478.